The following is an entry in ClinVar:

ClinVar aggregate classification (germline): Conflicting classifications of pathogenicity. Review status: criteria provided, conflicting classifications (1 of 4 stars). 2 submissions from 2 submitters: Uncertain significance (1); Likely benign (1). Last evaluated 2024-12-11.

Conditions:
Inborn genetic diseases. Identifiers: MedGen C0950123, MeSH D030342.

Allele frequency attached by ClinVar (database versions not stated): gnomAD exomes below 0.00001; ExAC 0.00001; gnomAD 0.00001; TOPMed 0.00002.
gnomAD v4.1: 9 of 1,614,060 alleles (0.00056%); highest among the groups gnomAD compares: African/African-American, 0.0013%; no homozygotes.

Submissions (2):

Ambry Genetics
Classification: Uncertain significance for Inborn genetic diseases. Last evaluated: 2024-12-11. Review status: criteria provided, single submitter. Criteria: Ambry Variant Classification Scheme 2023. Collection method: clinical testing. Allele origin: germline.

GeneDx
Classification: Likely benign. Last evaluated: 2024-01-19. Review status: criteria provided, single submitter. Criteria: GeneDx Variant Classification Process June 2021. Collection method: clinical testing. Allele origin: germline. Affected: yes.
Comment: See Variant Classification Assertion Criteria.

NM_018426.3(TMEM63B):c.874G>A (p.Glu292Lys)

Gene: TMEM63B (transmembrane protein 63B; plus strand). Cytogenetic location: 6p21.1.
Variant type: single nucleotide variant.
Coding change: c.874G>A on transcript NM_018426.3 (MANE Select); coding-DNA position 874, G replaced by A.
Protein change: p.Glu292Lys; replaces glutamic acid 292 with lysine.
Molecular consequence: missense variant.
Genome position (GRCh38, 1-based): chr6:44,147,387, G>A. VCF-style: chr6-44147387-G-A. GRCh37 (hg19) VCF-style: chr6-44115124-G-A.
Other names: c.874G>A, p.Glu292Lys (NM_001318792.1); c.874G>A (NM_018426.1); short protein forms E292K.
Identifiers: ClinVar variation 2579529 (VCV002579529.3), dbSNP rs770270376, ClinGen allele CA3829928.